The following is an entry in ClinVar:

NM_000383.4(AIRE):c.484C>T (p.Pro162Ser)

Gene: AIRE (autoimmune regulator; plus strand). Cytogenetic location: 21q22.3.
Variant type: single nucleotide variant.
Coding change: c.484C>T on transcript NM_000383.4 (MANE Select); coding-DNA position 484, C replaced by T.
Protein change: p.Pro162Ser; replaces proline 162 with serine.
Molecular consequence: missense variant.
Genome position (GRCh38, 1-based): chr21:44,287,537, C>T. VCF-style: chr21-44287537-C-T. GRCh37 (hg19) VCF-style: chr21-45707420-C-T.
Other names: short protein forms P162S.
Identifiers: ClinVar variation 3703908 (VCV003703908.2).

ClinVar aggregate classification (germline): Uncertain significance (1 of 4 stars; one submission).

Conditions:
Polyglandular autoimmune syndrome, type 1 (APS1). Also called: Whitaker syndrome; AUTOIMMUNE POLYENDOCRINE SYNDROME, TYPE I, WITH OR WITHOUT REVERSIBLE METAPHYSEAL DYSPLASIA; APS I; Autoimmune polyendocrinopathy syndrome, type I; HYPOADRENOCORTICISM WITH HYPOPARATHYROIDISM AND SUPERFICIAL MONILIASIS; PGA I. Identifiers: Orphanet 3453, MedGen C0085859, MONDO:0009411, OMIM 240300.

gnomAD v4.1: 13 of 1,557,416 alleles (0.00083%); highest among the groups gnomAD compares: East Asian, 0.021%; no homozygotes.

Submission:

Labcorp Genetics (formerly Invitae), Labcorp
Classification: Uncertain significance for Polyglandular autoimmune syndrome, type 1. Last evaluated: 2024-08-02. Review status: criteria provided, single submitter. Criteria: Invitae Variant Classification Sherloc (09022015). Collection method: clinical testing. Allele origin: germline.
Comment: This sequence change replaces proline, which is neutral and non-polar, with serine, which is neutral and polar, at codon 162 of the AIRE protein (p.Pro162Ser). This variant is not present in population databases (gnomAD no frequency). This variant has not been reported in the literature in individuals affected with AIRE-related conditions. Advanced modeling of protein sequence and biophysical properties (such as structural, functional, and spatial information, amino acid conservation, physicochemical variation, residue mobility, and thermodynamic stability) performed at Invitae indicates that this missense variant is not expected to disrupt AIRE protein function with a negative predictive value of 95%. In summary, the available evidence is currently insufficient to determine the role of this variant in disease. Therefore, it has been classified as a Variant of Uncertain Significance.